The following is an entry in ClinVar:

NM_000059.4(BRCA2):c.1819A>C (p.Lys607Gln)

Gene: BRCA2 (BRCA2 DNA repair associated; plus strand). Cytogenetic location: 13q13.1.
Variant type: single nucleotide variant.
Coding change: c.1819A>C on transcript NM_000059.4 (MANE Select); coding-DNA position 1819, A replaced by C.
Protein change: p.Lys607Gln; replaces lysine 607 with glutamine.
Molecular consequence: missense variant.
Genome position (GRCh38, 1-based): chr13:32,333,297, A>C. VCF-style: chr13-32333297-A-C. GRCh37 (hg19) VCF-style: chr13-32907434-A-C.
Other names: short protein forms K607Q.
Identifiers: ClinVar variation 441514 (VCV000441514.8), dbSNP rs80358471, ClinGen allele CA387766058.

ClinVar aggregate classification (germline): Conflicting classifications of pathogenicity. Review status: criteria provided, conflicting classifications (1 of 4 stars). 2 submissions from 2 submitters: Uncertain significance (1); Likely benign (1). Last evaluated 2023-03-23.

Conditions:
Hereditary cancer-predisposing syndrome. Also called: Hereditary Cancer Syndrome; Hereditary neoplastic syndrome; Neoplastic Syndromes, Hereditary; Tumor predisposition. Identifiers: Orphanet 140162, MedGen C0027672, MeSH D009386, MONDO:0015356.

Submissions (2):

University of Washington Department of Laboratory Medicine, University of Washington
Classification: Likely benign for Hereditary cancer-predisposing syndrome. Last evaluated: 2023-03-23. Review status: criteria provided, single submitter. Criteria: Dines et al. (Genet Med. 2020). Collection method: curation. Allele origin: germline.
Comment: Missense variant in a coldspot region where missense variants are very unlikely to be pathogenic (PMID:31911673).

BRCA2 exon 10 coldspot. Reclassification based on statistical prior probability.

Ambry Genetics
Classification: Uncertain significance for Hereditary cancer-predisposing syndrome. Last evaluated: 2023-03-22. Review status: criteria provided, single submitter. Criteria: Ambry Variant Classification Scheme 2023. Collection method: clinical testing. Allele origin: germline.
Comment: The p.K607Q variant (also known as c.1819A>C), located in coding exon 9 of the BRCA2 gene, results from an A to C substitution at nucleotide position 1819. The lysine at codon 607 is replaced by glutamine, an amino acid with similar properties. This variant was not reported in population based cohorts in the following databases: Database of Single Nucleotide Polymorphisms (dbSNP), NHLBI Exome Sequencing Project (ESP), and 1000 Genomes Project. In the ESP, this variant was not observed in 6493 samples (12986 alleles) with coverage at this position. To date, this alteration has been detected with an allele frequency of approximately 0.0003% (greater than 300000 alleles tested) in our clinical cohort. This amino acid position is not well conserved in available vertebrate species. In addition, this alteration is predicted to be tolerated by in silico analysis. Since supporting evidence is limited at this time, the clinical significance of this alteration remains unclear.